The following is an entry in ClinVar:

ClinVar aggregate classification (germline): Uncertain significance (1 of 4 stars; one submission).

Conditions:
NCKAP1-related disorder. Also called: NCKAP1-related condition.

Submission:

PreventionGenetics, part of Exact Sciences
Classification: Uncertain significance for NCKAP1-related condition. Last evaluated: 2023-06-15. Review status: criteria provided, single submitter. Criteria: ACMG Guidelines, 2015. Collection method: clinical testing. Allele origin: germline.
Comment: The NCKAP1 c.842C>T variant is predicted to result in the amino acid substitution p.Thr281Ile. To our knowledge, this variant has not been reported in the literature or in a large population database, indicating this variant is rare. At this time, the clinical significance of this variant is uncertain due to the absence of conclusive functional and genetic evidence.

NM_013436.5(NCKAP1):c.824C>T (p.Thr275Ile)

Gene: NCKAP1 (NCK associated protein 1; minus strand). Cytogenetic location: 2q32.1.
Variant type: single nucleotide variant.
Coding change: c.824C>T on transcript NM_013436.5 (MANE Select); coding-DNA position 824, C replaced by T.
Protein change: p.Thr275Ile; replaces threonine 275 with isoleucine.
Molecular consequence: missense variant.
Genome position (GRCh38, 1-based): chr2:182,989,153, G>A on the plus strand (C>T on the coding strand, the complement: NCKAP1 is on the minus strand). VCF-style: chr2-182989153-G-A. GRCh37 (hg19) VCF-style: chr2-183853881-G-A.
Other names: c.842C>T, p.Thr281Ile (NM_205842.3); short protein forms T275I, T281I.
Identifiers: ClinVar variation 2629945 (VCV002629945.1), dbSNP rs550349550, ClinGen allele CA349753229.